The following is an entry in ClinVar:

NM_001244008.2(KIF1A):c.524G>T (p.Gly175Val)

Gene: KIF1A (kinesin family member 1A; minus strand). Cytogenetic location: 2q37.3.
Variant type: single nucleotide variant.
Coding change: c.524G>T on transcript NM_001244008.2 (MANE Select); coding-DNA position 524, G replaced by T.
Protein change: p.Gly175Val; replaces glycine 175 with valine.
Molecular consequence: missense variant.
Genome position (GRCh38, 1-based): chr2:240,786,419, C>A on the plus strand (G>T on the coding strand, the complement: KIF1A is on the minus strand). VCF-style: chr2-240786419-C-A. GRCh37 (hg19) VCF-style: chr2-241725836-C-A.
Other names: c.524G>T, p.Gly175Val (NM_001320705.2, NM_001330289.2, NM_001330290.2 and 20 more transcripts); short protein forms G175V.
Identifiers: ClinVar variation 571784 (VCV000571784.9), dbSNP rs1559528970, ClinGen allele CA351306228.

ClinVar aggregate classification (germline): Uncertain significance (1 of 4 stars; one submission).

Conditions:
Neuropathy, hereditary sensory, type 2C. Also called: KIF1A-Related HSAN2 (HSAN2C); Hereditary sensory and autonomic neuropathy type IIC. Identifiers: Orphanet 970, MedGen C3280168, MONDO:0013634, OMIM 614213.
Intellectual disability, autosomal dominant 9 (NESCAVS). Also called: NESCAV SYNDROME; KIF1A-Related Neurodevelopmental Disorder. Identifiers: Orphanet 662367, MedGen C5393830, MONDO:0013656, OMIM 614255.
Hereditary spastic paraplegia 30. Identifiers: Orphanet 101010, MedGen C5235139, MONDO:0012476.

Submission:

Labcorp Genetics (formerly Invitae), Labcorp
Classification: Uncertain significance for Hereditary spastic paraplegia 30; Neuropathy, hereditary sensory, type 2C; Intellectual disability, autosomal dominant 9. Last evaluated: 2018-04-08. Review status: criteria provided, single submitter. Criteria: Invitae Variant Classification Sherloc (09022015). Collection method: clinical testing. Allele origin: germline.
Comment: This sequence change replaces glycine with valine at codon 175 of the KIF1A protein (p.Gly175Val). The glycine residue is highly conserved and there is a moderate physicochemical difference between glycine and valine. This variant is not present in population databases (ExAC no frequency). In summary, the available evidence is currently insufficient to determine the role of this variant in disease. Therefore, it has been classified as a Variant of Uncertain Significance. Algorithms developed to predict the effect of sequence changes on RNA splicing suggest that this variant may create or strengthen a splice site, but this prediction has not been confirmed by published transcriptional studies. Algorithms developed to predict the effect of missense changes on protein structure and function do not agree on the potential impact of this missense change (SIFT: "Deleterious"; PolyPhen-2: "Probably Damaging"; Align-GVGD: "Class C0"). This variant has not been reported in the literature in individuals with KIF1A-related disease.